The following is an entry in ClinVar:

NM_000254.3(MTR):c.2422G>A (p.Val808Ile)

Gene: MTR (5-methyltetrahydrofolate-homocysteine methyltransferase; plus strand). Cytogenetic location: 1q43.
Variant type: single nucleotide variant.
Coding change: c.2422G>A on transcript NM_000254.3 (MANE Select); coding-DNA position 2422, G replaced by A.
Protein change: p.Val808Ile; replaces valine 808 with isoleucine.
Molecular consequence: missense variant.
Genome position (GRCh38, 1-based): chr1:236,873,789, G>A. VCF-style: chr1-236873789-G-A. GRCh37 (hg19) VCF-style: chr1-237037089-G-A.
Other names: c.2269G>A, p.Val757Ile (NM_001291939.1); c.1201G>A, p.Val401Ile (NM_001291940.2); short protein forms V401I, V757I, V808I.
Identifiers: ClinVar variation 1063793 (VCV001063793.6), dbSNP rs745749921, ClinGen allele CA1474382.
Genomic context (GRCh38, chr1:236,873,789, plus strand): 5'-ATGGGCTTTCATTAATTTTCTCATGTCTCATTTCTGTGCCTCAGAGTTATTGATTTAGGA[G>A]TCATGACTCCATGTGATAAGATACTGAAAGCTGCTCTTGACCACAAAGCAGGTACTGTGC-3'
Protein context (NP_000245.2, residues 798-818): CNNFRVIDLG[Val808Ile]MTPCDKILKA

ClinVar aggregate classification (germline): Uncertain significance (1 of 4 stars; one submission).

Conditions:
Methylcobalamin deficiency type cblG (HMAG). Also called: HOMOCYSTINURIA-MEGALOBLASTIC ANEMIA, cblG TYPE; HOMOCYSTINURIA-MEGALOBLASTIC ANEMIA, cblG COMPLEMENTATION TYPE; HOMOCYSTINURIA-MEGALOBLASTIC ANEMIA DUE TO DEFECT IN COBALAMIN METABOLISM, cblG COMPLEMENTATION TYPE; Functional methionine synthase deficiency type cblG. Identifiers: Orphanet 2170, Orphanet 622, MedGen C1855128, MONDO:0009609, OMIM 250940.

Allele frequency attached by ClinVar (database versions not stated): gnomAD exomes below 0.00001 and 0.00001; ExAC 0.00001; gnomAD 0.00001; TOPMed 0.00001.
gnomAD v4.1: 3 of 1,613,936 alleles (0.00019%); highest among the groups gnomAD compares: Admixed American, 0.005%; no homozygotes.

Submission:

Labcorp Genetics (formerly Invitae), Labcorp
Classification: Uncertain significance for Methylcobalamin deficiency type cblG. Last evaluated: 2021-12-02. Review status: criteria provided, single submitter. Criteria: Invitae Variant Classification Sherloc (09022015). Collection method: clinical testing. Allele origin: germline.
Comment: This sequence change replaces valine, which is neutral and non-polar, with isoleucine, which is neutral and non-polar, at codon 808 of the MTR protein (p.Val808Ile). This variant is present in population databases (rs745749921, gnomAD 0.009%). This variant has not been reported in the literature in individuals affected with MTR-related conditions. ClinVar contains an entry for this variant (Variation ID: 1063793). Algorithms developed to predict the effect of missense changes on protein structure and function (SIFT, PolyPhen-2, Align-GVGD) all suggest that this variant is likely to be disruptive. In summary, the available evidence is currently insufficient to determine the role of this variant in disease. Therefore, it has been classified as a Variant of Uncertain Significance.